The following is an entry in ClinVar:

ClinVar aggregate classification (germline): Uncertain significance (1 of 4 stars; one submission).

Conditions:
Distal hereditary motor neuropathy type 2. Identifiers: Orphanet 139525, MedGen C3711384, MeSH C580044, MONDO:0015352.

Submission:

Labcorp Genetics (formerly Invitae), Labcorp
Classification: Uncertain significance for Distal hereditary motor neuropathy type 2. Last evaluated: 2024-07-24. Review status: criteria provided, single submitter. Criteria: Invitae Variant Classification Sherloc (09022015). Collection method: clinical testing. Allele origin: germline.
Comment: This sequence change replaces asparagine, which is neutral and polar, with histidine, which is basic and polar, at codon 140 of the FBXO38 protein (p.Asn140His). This variant is not present in population databases (gnomAD no frequency). This variant has not been reported in the literature in individuals affected with FBXO38-related conditions. Advanced modeling of protein sequence and biophysical properties (such as structural, functional, and spatial information, amino acid conservation, physicochemical variation, residue mobility, and thermodynamic stability) has been performed at Invitae for this missense variant, however the output from this modeling did not meet the statistical confidence thresholds required to predict the impact of this variant on FBXO38 protein function. In summary, the available evidence is currently insufficient to determine the role of this variant in disease. Therefore, it has been classified as a Variant of Uncertain Significance.

NM_205836.3(FBXO38):c.418A>C (p.Asn140His)

Gene: FBXO38 (F-box protein 38; plus strand). Cytogenetic location: 5q32.
Variant type: single nucleotide variant.
Coding change: c.418A>C on transcript NM_205836.3 (MANE Select); coding-DNA position 418, A replaced by C.
Protein change: p.Asn140His; replaces asparagine 140 with histidine.
Molecular consequence: missense variant.
Genome position (GRCh38, 1-based): chr5:148,402,137, A>C. VCF-style: chr5-148402137-A-C. GRCh37 (hg19) VCF-style: chr5-147781700-A-C.
Other names: c.418A>C, p.Asn140His (NM_001271723.2, NM_030793.5); short protein forms N140H.
Identifiers: ClinVar variation 3660469 (VCV003660469.2).
Genomic context (GRCh38, chr5:148,402,137, plus strand): 5'-GTAAGGGGCCATGAGGCTTTTAGCATTCCAGGAGTCCTAGAAGCTTTGCAGGCATGCCCA[A>C]ACTTAGTGGTGAGTGCACCTGGTTGAACATTTTGGCATCAACTGTTTATGAAATAATAGA-3'
Protein context (NP_995308.1, residues 130-150): GVLEALQACP[Asn140His]LVGVETSHLE